The following is an entry in ClinVar:

ClinVar aggregate classification (germline): Conflicting classifications of pathogenicity. Review status: criteria provided, conflicting classifications (1 of 4 stars). 2 submissions from 2 submitters: Uncertain significance (1); Likely benign (1). Last evaluated 2025-03-04.

Allele frequency attached by ClinVar (database versions not stated): TOPMed 0.00002; gnomAD 0.00003 and 0.00004.
gnomAD v4.1: 5 of 1,610,842 alleles (0.00031%); highest among the groups gnomAD compares: African/African-American, 0.0054%; no homozygotes.

Submissions (2):

Center for Genomic Medicine, Rigshospitalet, Copenhagen University Hospital
Classification: Likely benign. Last evaluated: 2025-03-04. Review status: criteria provided, single submitter. Criteria: ACMG Guidelines, 2015. Collection method: clinical testing. Allele origin: germline.

GeneDx
Classification: Uncertain significance. Last evaluated: 2015-11-23. Review status: criteria provided, single submitter. Criteria: GeneDx Variant Classification (06012015). Collection method: clinical testing. Allele origin: germline. Affected: yes.
Comment: This variant is denoted MSH6 c.-24G>A, and describes a nucleotide substitution 24 base pairs upstream of the ATG translational start site in the MSH6 promoter region. MSH6 c.-24G>A has not, to our knowledge, been published in the literature as pathogenic or benign. This variant was not observed in approximately 6,500 individuals of European and African American ancestry in the NHLBI Exome Sequencing Project, indicating it is not a common benign variant in these populations. MSH6 c.-24G>A is not predicted to affect splicing and does not alter or create a new start codon (ATG), however the nucleotide that is altered is conserved through mammals. Based on currently available information, we consider MSH6 c.-24G>A to be a variant of uncertain significance.

NM_000179.3(MSH6):c.-24G>A

Gene: MSH6 (mutS homolog 6; plus strand). Cytogenetic location: 2p16.3.
Variant type: single nucleotide variant.
Coding change: c.-24G>A on transcript NM_000179.3 (MANE Select); 24 bases upstream of the start codon, G replaced by A.
Molecular consequence: 5 prime UTR variant.
Genome position (GRCh38, 1-based): chr2:47,783,210, G>A. VCF-style: chr2-47783210-G-A. GRCh37 (hg19) VCF-style: chr2-48010349-G-A.
Other names: c.-24G>A (NM_001281492.2); c.-760G>A (NM_001281493.2).
Identifiers: ClinVar variation 234646 (VCV000234646.4), dbSNP rs876661137, ClinGen allele CA10577244.
Genomic context (GRCh38, chr2:47,783,210, plus strand): 5'-TCCCGCCAGCAGGAGCCGCGCGGTAGATGCGGTGCTTTTAGGAGCTCCGTCCGACAGAAC[G>A]GTTGGGCCTTGCCGGCTGTCGGTATGTCGCGACAGAGCACCCTGTACAGCTTCTTCCCCA-3'